The following is an entry in ClinVar:

NM_001197104.2(KMT2A):c.129del (p.Pro45fs)

Gene: KMT2A (lysine methyltransferase 2A; plus strand). Cytogenetic location: 11q23.3.
Variant type: Deletion.
Coding change: c.129del on transcript NM_001197104.2 (MANE Select); coding-DNA position 129, one base deleted (G; older notation c.129delG).
Protein change: p.Pro45fs; shifts the reading frame from proline 45.
Molecular consequence: frameshift variant.
Genome position (GRCh38, 1-based): chr11:118,436,641, G deleted; the last of 3 consecutive G bases (chr11:118,436,639-118,436,641); deleting any one gives the same sequence. VCF-style (leftmost placement, unchanged base first): chr11-118436638-CG-C. GRCh37 (hg19) VCF-style: chr11-118307353-CG-C.
Other names: c.129del, p.Pro45fs (NM_005933.4); short protein forms P45fs.
Identifiers: ClinVar variation 1184436 (VCV001184436.1), dbSNP rs2134152803, ClinGen allele CA2499220784.

ClinVar aggregate classification (germline): Likely pathogenic (1 of 4 stars; one submission).

Conditions:
Wiedemann-Steiner syndrome (WDSTS). Also called: Growth deficiency and mental retardation with facial dysmorphism. Identifiers: Orphanet 319182, MedGen C1854630, MONDO:0011518, OMIM 605130.

Submission:

New York Genome Center
Classification: Likely pathogenic for Wiedemann-Steiner syndrome. Last evaluated: 2020-08-20. Review status: criteria provided, single submitter. Criteria: NYGC Assertion Criteria 2020. Collection method: clinical testing. Allele origin: de novo. Observed: 1 heterozygote. Study: CSER-NYCKidSeq.
Comment: The de novo c.129del (p.Pro45ArgfsTer105) variant identified in the KMT2A gene is a deletion of a single nucleotide resulting in the frameshift of the protein at amino acid 45/3973 (exon 1/36), and is predicted to lead to the premature termination of the protein 105 amino acids downstream. This variant is absent from gnomAD(v3.0) suggesting it is not a common benign variant in the populations represented in that database. This variant is absent from ClinVar, however a different nucleotide change resulting in a frameshift at the same amino acid (c.134del (p.Pro45fs); VarID:521924) is reported as Pathogenic. To our current knowledge the c.129del (p.Pro45ArgfsTer105)variant has not been reported in affected individualsin the literature, however loss-of-function variants are a known mechanism of disease and other nonsense and frameshift variants have been reported in affected individuals [PMID:28359930; PMID:30305169; PMID:31044088; PMID:32311999]. Given its deleterious nature, presence de novo, and absence in population databases, the c.129del (p.Pro45ArgfsTer105) variant identified in the KMT2A gene is reported as Likely Pathogenic.